The following is an entry in ClinVar:

ClinVar aggregate classification (germline): Uncertain significance (1 of 4 stars; one submission).

Conditions:
Cardiovascular phenotype. Identifiers: MedGen CN230736.

gnomAD v4.1: 5 of 1,614,168 alleles (0.00031%); highest among the groups gnomAD compares: Admixed American, 0.0067%; no homozygotes.

Submission:

Ambry Genetics
Classification: Uncertain significance for Cardiovascular phenotype. Last evaluated: 2026-04-03. Review status: criteria provided, single submitter. Criteria: Ambry Variant Classification Scheme 2023. Collection method: clinical testing. Allele origin: germline.
Comment: The c.2301C>T variant (also known as p.Y767Y), located in coding exon 17 of the LAMA4 gene, results from a C to T substitution at nucleotide position 2301. This nucleotide substitution does not change the amino acid at codon 767. This nucleotide position is not well conserved in available vertebrate species. In silico splice site analysis for this alteration is inconclusive. The evidence for this gene-disease relationship is limited; therefore, the clinical significance of this variant is unclear.

NM_001105206.3(LAMA4):c.2322C>T (p.Tyr774=)

Gene: LAMA4 (laminin subunit alpha 4; minus strand). Cytogenetic location: 6q21.
Variant type: single nucleotide variant.
Coding change: c.2322C>T on transcript NM_001105206.3 (MANE Select); coding-DNA position 2322, C replaced by T.
Protein change: p.Tyr774=; no amino-acid change (tyrosine 774 retained).
Molecular consequence: synonymous variant.
Genome position (GRCh38, 1-based): chr6:112,148,188, G>A on the plus strand (C>T on the coding strand, the complement: LAMA4 is on the minus strand). VCF-style: chr6-112148188-G-A. GRCh37 (hg19) VCF-style: chr6-112469390-G-A.
Other names: c.2301C>T, p.Tyr767= (NM_001105207.3, NM_002290.5).
Identifiers: ClinVar variation 4859082 (VCV004859082.1).